The following is an entry in ClinVar:

ClinVar aggregate classification (germline): Uncertain significance (1 of 4 stars; one submission).

Allele frequency attached by ClinVar (database versions not stated): TOPMed below 0.00001; gnomAD exomes 0.00001.
gnomAD v4.1: 5 of 1,614,180 alleles (0.00031%); highest among the groups gnomAD compares: Non-Finnish European, 0.00034%; no homozygotes.

Submission:

Labcorp Genetics (formerly Invitae), Labcorp
Classification: Uncertain significance. Last evaluated: 2023-10-18. Review status: criteria provided, single submitter. Criteria: Invitae Variant Classification Sherloc (09022015). Collection method: clinical testing. Allele origin: germline.
Comment: This sequence change replaces alanine, which is neutral and non-polar, with threonine, which is neutral and polar, at codon 4088 of the FAT2 protein (p.Ala4088Thr). This variant is present in population databases (no rsID available, gnomAD 0.0009%). This variant has not been reported in the literature in individuals affected with FAT2-related conditions. An algorithm developed to predict the effect of missense changes on protein structure and function (PolyPhen-2) suggests that this variant is likely to be tolerated. In summary, the available evidence is currently insufficient to determine the role of this variant in disease. Therefore, it has been classified as a Variant of Uncertain Significance.

NM_001447.3(FAT2):c.12262G>A (p.Ala4088Thr)

Genes: FAT2 (FAT atypical cadherin 2; minus strand), SLC36A1 (solute carrier family 36 member 1; plus strand). Cytogenetic location: 5q33.1.
Variant type: single nucleotide variant.
Coding change: c.12262G>A on transcript NM_001447.3 (MANE Select); coding-DNA position 12262, G replaced by A.
Protein change: p.Ala4088Thr; replaces alanine 4088 with threonine.
Molecular consequence: missense variant.
Genome position (GRCh38, 1-based): chr5:151,507,409, C>T on the plus strand (G>A on the coding strand, the complement: FAT2 is on the minus strand). VCF-style: chr5-151507409-C-T. GRCh37 (hg19) VCF-style: chr5-150886970-C-T.
Other names: short protein forms A4088T.
Identifiers: ClinVar variation 2860493 (VCV002860493.3), dbSNP rs1228781563, ClinGen allele CA361819508.